The following is an entry in ClinVar:

ClinVar aggregate classification (germline): Uncertain significance. Review status: criteria provided, multiple submitters, no conflicts (2 of 4 stars). 2 submissions from 2 submitters: Uncertain significance (2). Last evaluated 2026-09-01.

Conditions:
SORL1-related disorder. Also called: SORL1-related condition.

Allele frequency attached by ClinVar (database versions not stated): ExAC 0.00026; TOPMed 0.00026; gnomAD 0.00032; ESP Exome Variant Server 0.00047; gnomAD exomes 0.00047.
gnomAD v4.1: 716 of 1,552,880 alleles (0.046%); highest among the groups gnomAD compares: Non-Finnish European, 0.058%; no homozygotes.

Submissions (2):

PreventionGenetics, part of Exact Sciences
Classification: Uncertain significance for SORL1-related condition. Last evaluated: 2026-09-01. Review status: criteria provided, single submitter. Criteria: ACMG Guidelines, 2015. Collection method: clinical testing. Allele origin: germline.
Comment: The SORL1 c.32G>C variant is predicted to result in the amino acid substitution p.Arg11Pro. To our knowledge, this variant has not been reported in the literature. This variant is reported in 0.032% of alleles in individuals of European (Non-Finnish) descent in gnomAD. At this time, the clinical significance of this variant is uncertain due to the absence of conclusive functional and genetic evidence.

Labcorp Genetics (formerly Invitae), Labcorp
Classification: Uncertain significance. Last evaluated: 2025-09-11. Review status: criteria provided, single submitter. Criteria: Invitae Variant Classification Sherloc (09022015). Collection method: clinical testing. Allele origin: germline.
Comment: This sequence change replaces arginine, which is basic and polar, with proline, which is neutral and non-polar, at codon 11 of the SORL1 protein (p.Arg11Pro). This variant is present in population databases (rs147575757, gnomAD 0.04%), and has an allele count higher than expected for a pathogenic variant. This missense change has been observed in individual(s) with Alzheimer disease (PMID: 27249223). ClinVar contains an entry for this variant (Variation ID: 2196018). An algorithm developed to predict the effect of missense changes on protein structure and function (PolyPhen-2) suggests that this variant is likely to be tolerated. In summary, the available evidence is currently insufficient to determine the role of this variant in disease. Therefore, it has been classified as a Variant of Uncertain Significance.

Literature cited by the submitters: PubMed 27249223 (cited by Labcorp Genetics (formerly Invitae), Labcorp).

NM_003105.6(SORL1):c.32G>C (p.Arg11Pro)

Genes: SORL1 (sortilin related receptor 1; plus strand), SORL1-AS1 (SORL1 antisense RNA 1; minus strand). Cytogenetic location: 11q24.1.
Variant type: single nucleotide variant.
Coding change: c.32G>C on transcript NM_003105.6 (MANE Select); coding-DNA position 32, G replaced by C.
Protein change: p.Arg11Pro; replaces arginine 11 with proline.
Molecular consequence: missense variant.
Genome position (GRCh38, 1-based): chr11:121,452,363, G>C. VCF-style: chr11-121452363-G-C. GRCh37 (hg19) VCF-style: chr11-121323072-G-C.
Other names: c.32G>C (NM_003105.5); short protein forms R11P.
Identifiers: ClinVar variation 2196018 (VCV002196018.5), dbSNP rs147575757, ClinGen allele CA6328271.